The following is an entry in ClinVar:

NM_024642.5(GALNT12):c.299T>A (p.Leu100Gln)

Gene: GALNT12 (polypeptide N-acetylgalactosaminyltransferase 12; plus strand). Cytogenetic location: 9q22.33.
Variant type: single nucleotide variant.
Coding change: c.299T>A on transcript NM_024642.5 (MANE Select); coding-DNA position 299, T replaced by A.
Protein change: p.Leu100Gln; replaces leucine 100 with glutamine.
Molecular consequence: missense variant.
Genome position (GRCh38, 1-based): chr9:98,807,997, T>A. VCF-style: chr9-98807997-T-A. GRCh37 (hg19) VCF-style: chr9-101570279-T-A.
Other names: short protein forms L100Q.
Identifiers: ClinVar variation 1798619 (VCV001798619.2), dbSNP rs1478312433, ClinGen allele CA374222848.

ClinVar aggregate classification (germline): Uncertain significance (1 of 4 stars; one submission).

Allele frequency attached by ClinVar (database versions not stated): gnomAD exomes below 0.00001.
gnomAD v4.1: 4 of 1,543,546 alleles (0.00026%); highest among the groups gnomAD compares: Non-Finnish European, 0.00035%; no homozygotes.

Submission:

Ambry Genetics
Classification: Uncertain significance. Last evaluated: 2021-06-02. Review status: criteria provided, single submitter. Criteria: Ambry Variant Classification Scheme 2023. Collection method: clinical testing. Allele origin: germline.
Comment: The p.L100Q variant (also known as c.299T>A), located in coding exon 1 of the GALNT12 gene, results from a T to A substitution at nucleotide position 299. The leucine at codon 100 is replaced by glutamine, an amino acid with dissimilar properties. This amino acid position is poorly conserved in available vertebrate species. In addition, this alteration is predicted to be tolerated by in silico analysis. Since supporting evidence is limited at this time, the clinical significance of this alteration remains unclear.